The following is an entry in ClinVar:

NM_005430.4(WNT1):c.881A>T (p.Lys294Ile)

Gene: WNT1 (Wnt family member 1; plus strand). Cytogenetic location: 12q13.12.
Variant type: single nucleotide variant.
Coding change: c.881A>T on transcript NM_005430.4 (MANE Select); coding-DNA position 881, A replaced by T.
Protein change: p.Lys294Ile; replaces lysine 294 with isoleucine.
Molecular consequence: missense variant.
Genome position (GRCh38, 1-based): chr12:48,981,408, A>T. VCF-style: chr12-48981408-A-T. GRCh37 (hg19) VCF-style: chr12-49375191-A-T.
Other names: short protein forms K294I.
Identifiers: ClinVar variation 2958247 (VCV002958247.3), dbSNP rs2498948856, ClinGen allele CA384636653.

ClinVar aggregate classification (germline): Uncertain significance (1 of 4 stars; one submission).

Submission:

Labcorp Genetics (formerly Invitae), Labcorp
Classification: Uncertain significance. Last evaluated: 2023-12-13. Review status: criteria provided, single submitter. Criteria: Invitae Variant Classification Sherloc (09022015). Collection method: clinical testing. Allele origin: germline.
Comment: This sequence change replaces lysine, which is basic and polar, with isoleucine, which is neutral and non-polar, at codon 294 of the WNT1 protein (p.Lys294Ile). This variant is not present in population databases (gnomAD no frequency). This variant has not been reported in the literature in individuals affected with WNT1-related conditions. Advanced modeling of protein sequence and biophysical properties (such as structural, functional, and spatial information, amino acid conservation, physicochemical variation, residue mobility, and thermodynamic stability) performed at Invitae indicates that this missense variant is not expected to disrupt WNT1 protein function with a negative predictive value of 80%. In summary, the available evidence is currently insufficient to determine the role of this variant in disease. Therefore, it has been classified as a Variant of Uncertain Significance.